The following is an entry in ClinVar:

NM_018006.5(TRMU):c.538G>T (p.Val180Phe)

Gene: TRMU (tRNA mitochondrial 2-thiouridylase; plus strand). Cytogenetic location: 22q13.31.
Variant type: single nucleotide variant.
Coding change: c.538G>T on transcript NM_018006.5 (MANE Select); coding-DNA position 538, G replaced by T.
Protein change: p.Val180Phe; replaces valine 180 with phenylalanine.
Molecular consequence: missense variant. On other transcripts: non-coding transcript variant (2).
Genome position (GRCh38, 1-based): chr22:46,350,350, G>T. VCF-style: chr22-46350350-G-T. GRCh37 (hg19) VCF-style: chr22-46746247-G-T.
Other names: p.V180F:GTT>TTT; c.196G>T, p.Val66Phe (NM_001282782.2); c.118G>T, p.Val40Phe (NM_001282783.2, NM_001282784.2); c.538G>T, p.Val180Phe (NM_001282785.2); short protein forms V180F, V66F, V40F.
Identifiers: ClinVar variation 215286 (VCV000215286.2), dbSNP rs863224239, ClinGen allele CA322984.

ClinVar aggregate classification (germline): Likely pathogenic (1 of 4 stars; one submission).

Allele frequency attached by ClinVar (database versions not stated): gnomAD 0.00001; TOPMed 0.00002.
gnomAD v4.1: 1 of 1,614,116 alleles (0.000062%); highest among the groups gnomAD compares: African/African-American, 0.0013%; no homozygotes.

Submission:

GeneDx
Classification: Likely pathogenic. Last evaluated: 2014-01-29. Review status: criteria provided, single submitter. Criteria: GeneDx Variant Classification (06012015). Collection method: clinical testing. Allele origin: germline. Affected: yes.
Comment: p.Val180Phe (GTT>TTT): c.538 G>T in exon 5 of the TRMU gene (NM_018006.4). The V180F missense change that is likely pathogenic identified in the TRMU gene has not been published as a mutation, nor has it been reported as a benign polymorphism to our knowledge. The V180F variant is a semi-conservative amino acid substitution as these residues share similar properties, but differ in size, charge, or other properties which may impact secondary structure. This substitution occurs at a position in the TRMU protein where amino acids with similar properties as Valine are conserved. Multiple in-silico analysis programs predict that V180F is damaging to the TRMU protein. Therefore, V180F is a strong candidate for a disease-causing mutation, however the possibility that it is a benign variant cannot be excluded. The variant is found in MITONUC-MITOP panel(s).